The following is an entry in ClinVar:

ClinVar aggregate classification (germline): Uncertain significance (1 of 4 stars; one submission).

Conditions:
Hereditary pancreatitis (PCTT). Also called: Hereditary chronic pancreatitis; PRSS1-Related Hereditary Pancreatitis. Identifiers: Orphanet 676, MedGen C0238339, MONDO:0008185, OMIM 167800.

Submission:

Ambry Genetics
Classification: Uncertain significance for Hereditary pancreatitis. Last evaluated: 2024-10-05. Review status: criteria provided, single submitter. Criteria: Ambry Variant Classification Scheme 2023. Collection method: clinical testing. Allele origin: germline.
Comment: The p.S241T variant (also known as c.721T>A), located in coding exon 7 of the CPA1 gene, results from a T to A substitution at nucleotide position 721. The serine at codon 241 is replaced by threonine, an amino acid with similar properties. This amino acid position is conserved. In addition, this alteration is predicted to be tolerated by in silico analysis. Based on the available evidence, the clinical significance of this variant remains unclear.

NM_001868.4(CPA1):c.721T>A (p.Ser241Thr)

Gene: CPA1 (carboxypeptidase A1; plus strand). Cytogenetic location: 7q32.2.
Variant type: single nucleotide variant.
Coding change: c.721T>A on transcript NM_001868.4 (MANE Select); coding-DNA position 721, T replaced by A.
Protein change: p.Ser241Thr; replaces serine 241 with threonine.
Molecular consequence: missense variant.
Genome position (GRCh38, 1-based): chr7:130,384,560, T>A. VCF-style: chr7-130384560-T-A. GRCh37 (hg19) VCF-style: chr7-130024401-T-A.
Other names: short protein forms S241T.
Identifiers: ClinVar variation 3496210 (VCV003496210.1).